The following is an entry in ClinVar:

NM_016169.4(SUFU):c.886C>T (p.Gln296Ter)

Gene: SUFU (SUFU negative regulator of hedgehog signaling; plus strand). Cytogenetic location: 10q24.32.
Variant type: single nucleotide variant.
Coding change: c.886C>T on transcript NM_016169.4 (MANE Select); coding-DNA position 886, C replaced by T.
Protein change: p.Gln296Ter; replaces glutamine 296 with a stop codon.
Molecular consequence: nonsense.
Genome position (GRCh38, 1-based): chr10:102,597,269, C>T. VCF-style: chr10-102597269-C-T. GRCh37 (hg19) VCF-style: chr10-104357026-C-T.
Other names: c.886C>T, p.Gln296Ter (NM_001178133.2); short protein forms Q296*.
Identifiers: ClinVar variation 1428202 (VCV001428202.6), dbSNP rs2135882212, ClinGen allele CA377910819.

ClinVar aggregate classification (germline): Pathogenic (1 of 4 stars; one submission).

Conditions:
Medulloblastoma (MDB). Also called: MEDULLOBLASTOMA PREDISPOSITION SYNDROME; Medulloblastoma, somatic. Identifiers: Orphanet 616, MedGen C0025149, MeSH D008527, MONDO:0007959, OMIM 155255, HP:0002885.
Gorlin syndrome. Also called: Nevoid Basal Cell Carcinoma Syndrome; Basal cell nevus syndrome. Identifiers: Orphanet 377, MedGen C0004779, MONDO:0007187.

Submission:

Labcorp Genetics (formerly Invitae), Labcorp
Classification: Pathogenic for Gorlin syndrome; Medulloblastoma. Last evaluated: 2021-12-31. Review status: criteria provided, single submitter. Criteria: Invitae Variant Classification Sherloc (09022015). Collection method: clinical testing. Allele origin: germline.
Comment: This sequence change creates a premature translational stop signal (p.Gln296*) in the SUFU gene. It is expected to result in an absent or disrupted protein product. Loss-of-function variants in SUFU are known to be pathogenic (PMID: 22508808, 25403219). This variant is not present in population databases (gnomAD no frequency). This variant has not been reported in the literature in individuals affected with SUFU-related conditions. For these reasons, this variant has been classified as Pathogenic.

Literature cited by the submitters: PubMed 22508808; PubMed 25403219.